The following is an entry in ClinVar:

NM_001371727.1(GABRB2):c.163T>C (p.Phe55Leu)

Gene: GABRB2 (gamma-aminobutyric acid type A receptor subunit beta2; minus strand). Cytogenetic location: 5q34.
Variant type: single nucleotide variant.
Coding change: c.163T>C on transcript NM_001371727.1 (MANE Select); coding-DNA position 163, T replaced by C.
Protein change: p.Phe55Leu; replaces phenylalanine 55 with leucine.
Molecular consequence: missense variant.
Genome position (GRCh38, 1-based): chr5:161,546,328, A>G on the plus strand (T>C on the coding strand, the complement: GABRB2 is on the minus strand). VCF-style: chr5-161546328-A-G. GRCh37 (hg19) VCF-style: chr5-160973334-A-G.
Other names: c.163T>C, p.Phe55Leu (NM_000813.3, NM_021911.3); short protein forms F55L.
Identifiers: ClinVar variation 4530592 (VCV004530592.1).

ClinVar aggregate classification (germline): Uncertain significance (1 of 4 stars; one submission).

Conditions:
Developmental and epileptic encephalopathy 92. Also called: EPILEPTIC ENCEPHALOPATHY, INFANTILE OR EARLY CHILDHOOD, 2. Identifiers: MedGen C4693362, MONDO:0020631, OMIM 617829.

Submission:

Institute of Human Genetics, University of Leipzig Medical Center
Classification: Uncertain significance for Developmental and epileptic encephalopathy 92. Last evaluated: 2025-10-06. Review status: criteria provided, single submitter. Criteria: ACMG Guidelines, 2015. Collection method: clinical testing. Allele origin: unknown. Inheritance: Autosomal dominant inheritance. Affected: yes.
Comment: Criteria applied: PM2,PP2,PP3